The following is an entry in ClinVar:

ClinVar aggregate classification (germline): Uncertain significance (1 of 4 stars; one submission).

Allele frequency attached by ClinVar (database versions not stated): ExAC 0.00001; TOPMed 0.00001.

Submission:

Labcorp Genetics (formerly Invitae), Labcorp
Classification: Uncertain significance. Last evaluated: 2022-08-23. Review status: criteria provided, single submitter. Criteria: Invitae Variant Classification Sherloc (09022015). Collection method: clinical testing. Allele origin: germline.
Comment: In summary, the available evidence is currently insufficient to determine the role of this variant in disease. Therefore, it has been classified as a Variant of Uncertain Significance. Algorithms developed to predict the effect of missense changes on protein structure and function are either unavailable or do not agree on the potential impact of this missense change (SIFT: "Deleterious"; PolyPhen-2: "Probably Damaging"; Align-GVGD: "Class C0"). This variant has not been reported in the literature in individuals affected with ABRAXAS1-related conditions. This variant is not present in population databases (gnomAD no frequency). This sequence change replaces phenylalanine, which is neutral and non-polar, with valine, which is neutral and non-polar, at codon 191 of the ABRAXAS1 protein (p.Phe191Val).

NM_139076.3(ABRAXAS1):c.571T>G (p.Phe191Val)

Gene: ABRAXAS1 (abraxas 1, BRCA1 A complex subunit; minus strand). Cytogenetic location: 4q21.23.
Variant type: single nucleotide variant.
Coding change: c.571T>G on transcript NM_139076.3 (MANE Select); coding-DNA position 571, T replaced by G.
Protein change: p.Phe191Val; replaces phenylalanine 191 with valine.
Molecular consequence: missense variant.
Genome position (GRCh38, 1-based): chr4:83,469,057, A>C on the plus strand (T>G on the coding strand, the complement: ABRAXAS1 is on the minus strand). VCF-style: chr4-83469057-A-C. GRCh37 (hg19) VCF-style: chr4-84390210-A-C.
Other names: c.244T>G, p.Phe82Val (NM_001345962.2); short protein forms F191V, F82V.
Identifiers: ClinVar variation 2194858 (VCV002194858.4), dbSNP rs775425473, ClinGen allele CA2990519.